The following is an entry in ClinVar:

ClinVar aggregate classification (germline): Uncertain significance (1 of 4 stars; one submission).

Submission:

Labcorp Genetics (formerly Invitae), Labcorp
Classification: Uncertain significance. Last evaluated: 2022-02-02. Review status: criteria provided, single submitter. Criteria: Invitae Variant Classification Sherloc (09022015). Collection method: clinical testing. Allele origin: germline.
Comment: This sequence change falls in intron 11 of the MAK gene. It does not directly change the encoded amino acid sequence of the MAK protein. It affects a nucleotide within the consensus splice site. This variant is present in population databases (no rsID available, gnomAD 0.01%). This variant has not been reported in the literature in individuals affected with MAK-related conditions. Variants that disrupt the consensus splice site are a relatively common cause of aberrant splicing (PMID: 17576681, 9536098). Experimental studies and prediction algorithms are not available or were not evaluated, and the effect of this variant on mRNA splicing is currently unknown. In summary, the available evidence is currently insufficient to determine the role of this variant in disease. Therefore, it has been classified as a Variant of Uncertain Significance.

Literature cited by the submitters: PubMed 17576681; PubMed 9536098.

NM_001242957.3(MAK):c.1597+5C>G

Gene: MAK (male germ cell associated kinase; minus strand). Cytogenetic location: 6p24.2.
Variant type: single nucleotide variant.
Coding change: c.1597+5C>G on transcript NM_001242957.3 (MANE Select); 5 bases into the intron after coding-DNA position 1597, C replaced by G.
Molecular consequence: intron variant.
Genome position (GRCh38, 1-based): chr6:10,775,323, G>C on the plus strand (C>G on the coding strand, the complement: MAK is on the minus strand). VCF-style: chr6-10775323-G-C. GRCh37 (hg19) VCF-style: chr6-10775556-G-C.
Other names: c.1495+5C>G (NM_001377262.1); c.1597+5C>G (NM_005906.6, NM_001242385.2).
Identifiers: ClinVar variation 1525916 (VCV001525916.6), dbSNP rs568433855, ClinGen allele CA565386725.
Genomic context (GRCh38, chr6:10,775,323, plus strand): 5'-ATATTTAAAAGTAGACCTCTATAAAGGAAAACCCCGTACATGTACATTTTGTATTCTTGC[G>C]TTACCTGCATTGCTCCTTTTGAAAGCAAGTTCTGCCCCAACGGGTCCCAGTGACTTGGGG-3'